The following is an entry in ClinVar:

ClinVar aggregate classification (germline): Likely benign. Review status: criteria provided, multiple submitters, no conflicts (2 of 4 stars). 4 submissions from 4 submitters: Likely benign (3). 1 of the submissions does not count toward it. Last evaluated 2025-09-22.

Conditions:
KMT2D-related disorder. Also called: KMT2D-Related Disorders.
Kabuki syndrome. Also called: NIIKAWA-KUROKI SYNDROME; Kabuki make-up syndrome. Identifiers: Orphanet 2322, MedGen C0796004, MONDO:0016512.

Allele frequency attached by ClinVar (database versions not stated): ExAC 0.00003; gnomAD exomes 0.00004; TOPMed 0.00006; gnomAD 0.00007; ESP Exome Variant Server 0.00025.
gnomAD v4.1: 67 of 1,613,608 alleles (0.0042%); highest among the groups gnomAD compares: Non-Finnish European, 0.0055%; no homozygotes.

Submissions (4):

Labcorp Genetics (formerly Invitae), Labcorp
Classification: Likely benign for Kabuki syndrome. Last evaluated: 2025-09-22. Review status: criteria provided, single submitter. Criteria: Invitae Variant Classification Sherloc (09022015). Collection method: clinical testing. Allele origin: germline.

Blueprint Genetics
Classification: Likely benign. Last evaluated: 2024-06-18. Review status: criteria provided, single submitter. Criteria: ACMG Guidelines, 2015. Collection method: clinical testing. Allele origin: germline.

CeGaT Center for Human Genetics Tuebingen
Classification: Likely benign. Last evaluated: 2024-04-01. Review status: criteria provided, single submitter. Criteria: CeGaT Center For Human Genetics Tuebingen Variant Classification Criteria Version 2. Collection method: clinical testing. Allele origin: germline. Affected: yes. Observed: 2 variant alleles.
Comment: KMT2D: BP4, BP7

PreventionGenetics, part of Exact Sciences
Classification: Likely benign for KMT2D-related condition. Last evaluated: 2022-09-03. Review status: no assertion criteria provided. Collection method: clinical testing. Allele origin: germline. Not counted in ClinVar's aggregate classification.
Comment: This variant is classified as likely benign based on ACMG/AMP sequence variant interpretation guidelines (Richards et al. 2015 PMID: 25741868, with internal and published modifications).

NM_003482.4(KMT2D):c.6948G>A (p.Leu2316=)

Gene: KMT2D (lysine methyltransferase 2D; minus strand). Cytogenetic location: 12q13.12.
Variant type: single nucleotide variant.
Coding change: c.6948G>A on transcript NM_003482.4 (MANE Select); coding-DNA position 6948, G replaced by A.
Protein change: p.Leu2316=; no amino-acid change (leucine 2316 retained).
Molecular consequence: synonymous variant.
Genome position (GRCh38, 1-based): chr12:49,040,822, C>T on the plus strand (G>A on the coding strand, the complement: KMT2D is on the minus strand). VCF-style: chr12-49040822-C-T. GRCh37 (hg19) VCF-style: chr12-49434605-C-T.
Identifiers: ClinVar variation 2642955 (VCV002642955.29), dbSNP rs373149520, ClinGen allele CA6547151.
Genomic context (GRCh38, chr12:49,040,822, plus strand): 5'-AGATGCCCGAGGGGTCAGGGGGGCTTTGAAGACATCAGGTGTCTTTAACTCCAGGCCACC[C>T]AGGTGGGTGCCTGAGGAGGGTGAGTCAACAAAGCCCAGGTTTGGGGGCCCATAGCTAGGA-3'
Protein context (NP_003473.3, residues 2306-2326): FVDSPSSGTH[Leu2316=]GGLELKTPDV